The following is an entry in ClinVar:

ClinVar aggregate classification (germline): Uncertain significance (1 of 4 stars; one submission).

Submission:

Labcorp Genetics (formerly Invitae), Labcorp
Classification: Uncertain significance. Last evaluated: 2022-06-20. Review status: criteria provided, single submitter. Criteria: Invitae Variant Classification Sherloc (09022015). Collection method: clinical testing. Allele origin: germline.
Comment: In summary, the available evidence is currently insufficient to determine the role of this variant in disease. Therefore, it has been classified as a Variant of Uncertain Significance. This variant has not been reported in the literature in individuals affected with GUCY2C-related conditions. This variant is present in population databases (rs773521864, gnomAD 0.01%). This sequence change creates a premature translational stop signal (p.Ser309Phefs*32) in the GUCY2C gene. It is expected to result in an absent or disrupted protein product. However, the current clinical and genetic evidence is not sufficient to establish whether loss-of-function variants in GUCY2C cause disease.

NM_004963.4(GUCY2C):c.926_927del (p.Ser309fs)

Genes: GUCY2C (guanylate cyclase 2C; minus strand), GUCY2C-AS1 (GUCY2C antisense RNA 1; plus strand). Cytogenetic location: 12p12.3.
Variant type: Microsatellite.
Coding change: c.926_927del on transcript NM_004963.4 (MANE Select); coding-DNA positions 926 to 927, 2 bases deleted (CT; older notation c.926_927delCT).
Protein change: p.Ser309fs; shifts the reading frame from serine 309.
Molecular consequence: frameshift variant.
Genome position (GRCh38, 1-based): chr12:14,676,875-14,676,876, AG deleted on the plus strand (CT on the coding strand, the reverse complement: GUCY2C is on the minus strand); deleting any 2 consecutive bases within chr12:14,676,875-14,676,878 gives the same sequence; the c. name uses the placement nearest the transcript's 3' end. VCF-style (leftmost placement, unchanged base first): chr12-14676874-AAG-A. GRCh37 (hg19) VCF-style: chr12-14829808-AAG-A.
Other names: short protein forms S309fs.
Identifiers: ClinVar variation 2008697 (VCV002008697.4), dbSNP rs773521864, ClinGen allele CA6463615.